The following is an entry in ClinVar:

ClinVar aggregate classification (germline): Uncertain significance. Review status: criteria provided, multiple submitters, no conflicts (2 of 4 stars). 2 submissions from 2 submitters: Uncertain significance (2). Last evaluated 2022-06-29.

Conditions:
Hereditary cancer-predisposing syndrome. Also called: Neoplastic Syndromes, Hereditary; Tumor predisposition; Hereditary Cancer Syndrome; Hereditary neoplastic syndrome. Identifiers: Orphanet 140162, MedGen C0027672, MeSH D009386, MONDO:0015356.
Familial adenomatous polyposis 1 (FAP1). Also called: FAMILIAL ADENOMATOUS POLYPOSIS 1, ATTENUATED; POLYPOSIS, ADENOMATOUS INTESTINAL. Identifiers: MedGen C2713442, MONDO:0021056, OMIM 175100. Disease mechanism: loss of function.

Allele frequency attached by ClinVar (database versions not stated): gnomAD exomes below 0.00001.
gnomAD v4.1: 1 of 1,611,290 alleles (0.000062%); highest among the groups gnomAD compares: Non-Finnish European, 0.000085%; no homozygotes.

Submissions (2):

Labcorp Genetics (formerly Invitae), Labcorp
Classification: Uncertain significance for Familial adenomatous polyposis 1. Last evaluated: 2022-06-29. Review status: criteria provided, single submitter. Criteria: Invitae Variant Classification Sherloc (09022015). Collection method: clinical testing. Allele origin: germline.
Comment: In summary, the available evidence is currently insufficient to determine the role of this variant in disease. Therefore, it has been classified as a Variant of Uncertain Significance. Algorithms developed to predict the effect of missense changes on protein structure and function (SIFT, PolyPhen-2, Align-GVGD) all suggest that this variant is likely to be tolerated. This variant has not been reported in the literature in individuals affected with APC-related conditions. This variant is not present in population databases (gnomAD no frequency). This sequence change replaces threonine, which is neutral and polar, with arginine, which is basic and polar, at codon 305 of the APC protein (p.Thr305Arg).

Ambry Genetics
Classification: Uncertain significance for Hereditary cancer-predisposing syndrome. Last evaluated: 2021-12-15. Review status: criteria provided, single submitter. Criteria: Ambry Variant Classification Scheme 2023. Collection method: clinical testing. Allele origin: germline.
Comment: The p.T305R variant (also known as c.914C>G), located in coding exon 8 of the APC gene, results from a C to G substitution at nucleotide position 914. The threonine at codon 305 is replaced by arginine, an amino acid with similar properties. This amino acid position is highly conserved in available vertebrate species. In addition, in silico predictors for this gene do not accurately predict pathogenicity. Since supporting evidence is limited at this time, the clinical significance of this alteration remains unclear.

NM_000038.6(APC):c.914C>G (p.Thr305Arg)

Gene: APC (APC regulator of Wnt signaling pathway; plus strand). Cytogenetic location: 5q22.2.
Variant type: single nucleotide variant.
Coding change: c.914C>G on transcript NM_000038.6 (MANE Select); coding-DNA position 914, C replaced by G.
Protein change: p.Thr305Arg; replaces threonine 305 with arginine.
Molecular consequence: missense variant.
Genome position (GRCh38, 1-based): chr5:112,815,574, C>G. VCF-style: chr5-112815574-C-G. GRCh37 (hg19) VCF-style: chr5-112151271-C-G.
Other names: c.914C>G, p.Thr305Arg (NM_001127510.3, NM_001354895.2, NM_001354896.2 and 12 more transcripts); c.860C>G, p.Thr287Arg (NM_001127511.3); c.944C>G, p.Thr315Arg (NM_001354897.2, NM_001354902.2, NM_001407446.1); c.839C>G, p.Thr280Arg (NM_001354898.2, NM_001354904.2, NM_001407451.1); c.830C>G, p.Thr277Arg (NM_001354899.2, NM_001407452.1, NM_001407467.1 and 1 more transcripts); c.737C>G, p.Thr246Arg (NM_001354900.2, NM_001354901.2, NM_001354905.2 and 1 more transcripts); c.65C>G, p.Thr22Arg (NM_001354906.2, NM_001407470.1, NM_001407471.1 and 1 more transcripts); short protein forms T315R, T277R, T287R, T22R, T246R, T280R, T305R.
Identifiers: ClinVar variation 1765960 (VCV001765960.7), dbSNP rs2149763861, ClinGen allele CA16023312.